The following is an entry in ClinVar:

NM_017654.4(SAMD9):c.3731A>G (p.Asn1244Ser)

Gene: SAMD9 (sterile alpha motif domain containing 9; minus strand). Cytogenetic location: 7q21.2.
Variant type: single nucleotide variant.
Coding change: c.3731A>G on transcript NM_017654.4 (MANE Select); coding-DNA position 3731, A replaced by G.
Protein change: p.Asn1244Ser; replaces asparagine 1244 with serine.
Molecular consequence: missense variant.
Genome position (GRCh38, 1-based): chr7:93,102,367, T>C on the plus strand (A>G on the coding strand, the complement: SAMD9 is on the minus strand). VCF-style: chr7-93102367-T-C. GRCh37 (hg19) VCF-style: chr7-92731680-T-C.
Other names: c.3731A>G, p.Asn1244Ser (NM_001193307.2); short protein forms N1244S.
Identifiers: ClinVar variation 1336742 (VCV001336742.5), dbSNP rs1338996171, ClinGen allele CA368183174.

ClinVar aggregate classification (germline): Uncertain significance. Review status: criteria provided, multiple submitters, no conflicts (2 of 4 stars). 2 submissions from 2 submitters: Uncertain significance (2). Last evaluated 2025-01-06.

Conditions:
Inborn genetic diseases. Identifiers: MedGen C0950123, MeSH D030342.

Allele frequency attached by ClinVar (database versions not stated): gnomAD 0.00001; TOPMed below 0.00001.
gnomAD v4.1: 1 of 1,608,528 alleles (0.000062%); highest among the groups gnomAD compares: Non-Finnish European, 0.000085%; no homozygotes.

Submissions (2):

Ambry Genetics
Classification: Uncertain significance for Inborn genetic diseases. Last evaluated: 2025-01-06. Review status: criteria provided, single submitter. Criteria: Ambry Variant Classification Scheme 2023. Collection method: clinical testing. Allele origin: germline.
Comment: The p.N1244S variant (also known as c.3731A>G), located in coding exon 1 of the SAMD9 gene, results from an A to G substitution at nucleotide position 3731. The asparagine at codon 1244 is replaced by serine, an amino acid with highly similar properties. This amino acid position is conserved. In addition, this alteration is predicted to be tolerated by in silico analysis. Based on the available evidence, the clinical significance of this variant remains unclear.

Genetic Services Laboratory, University of Chicago
Classification: Uncertain significance. Last evaluated: 2018-07-02. Review status: criteria provided, single submitter. Criteria: ACMG Guidelines, 2015. Collection method: clinical testing. Allele origin: germline. Affected: no.